The following is an entry in ClinVar:

ClinVar aggregate classification (germline): Uncertain significance (1 of 4 stars; one submission).

gnomAD v4.1: 12 of 1,613,930 alleles (0.00074%); highest among the groups gnomAD compares: African/African-American, 0.0013%; no homozygotes.

Submission:

Labcorp Genetics (formerly Invitae), Labcorp
Classification: Uncertain significance. Last evaluated: 2026-01-17. Review status: criteria provided, single submitter. Criteria: Invitae Variant Classification Sherloc (09022015). Collection method: clinical testing. Allele origin: germline.
Comment: This sequence change replaces arginine, which is basic and polar, with cysteine, which is neutral and slightly polar, at codon 95 of the PPIB protein (p.Arg95Cys). This variant is present in population databases (rs757275030, gnomAD 0.004%). This variant has not been reported in the literature in individuals affected with PPIB-related conditions. An algorithm developed to predict the effect of missense changes on protein structure and function (PolyPhen-2) suggests that this variant is likely to be disruptive. In summary, the available evidence is currently insufficient to determine the role of this variant in disease. Therefore, it has been classified as a Variant of Uncertain Significance.

NM_000942.5(PPIB):c.283C>T (p.Arg95Cys)

Gene: PPIB (peptidylprolyl isomerase B; minus strand). Cytogenetic location: 15q22.31.
Variant type: single nucleotide variant.
Coding change: c.283C>T on transcript NM_000942.5 (MANE Select); coding-DNA position 283, C replaced by T.
Protein change: p.Arg95Cys; replaces arginine 95 with cysteine.
Molecular consequence: missense variant.
Genome position (GRCh38, 1-based): chr15:64,160,164, G>A on the plus strand (C>T on the coding strand, the complement: PPIB is on the minus strand). VCF-style: chr15-64160164-G-A. GRCh37 (hg19) VCF-style: chr15-64452363-G-A.
Other names: short protein forms R95C.
Identifiers: ClinVar variation 4804727 (VCV004804727.1).
Genomic context (GRCh38, chr15:64,160,164, plus strand): 5'-CTCCTGTGCCATCTCCCCTGGTGAAGTCTCCGCCCTGGATCATGAAGTCCTTGATTACAC[G>A]ATGGAATTTGCTGTTTTTGTAGCCAAATCCTTTCTAGAAAAAGGGAAGAGAAGGTAAGGA-3'
Protein context (NP_000933.1, residues 85-105): GFGYKNSKFH[Arg95Cys]VIKDFMIQGG